The following is an entry in ClinVar:

ClinVar aggregate classification (germline): Uncertain significance (1 of 4 stars; one submission).

Conditions:
Generalized epilepsy with febrile seizures plus, type 9 (GEFSP9). Also called: GEFS+, TYPE 9. Identifiers: Orphanet 36387, MedGen C4015395, MONDO:0014517, OMIM 616172.

Submission:

Labcorp Genetics (formerly Invitae), Labcorp
Classification: Uncertain significance for Generalized epilepsy with febrile seizures plus, type 9. Last evaluated: 2021-08-12. Review status: criteria provided, single submitter. Criteria: Invitae Variant Classification Sherloc (09022015). Collection method: clinical testing. Allele origin: germline.
Comment: In summary, the available evidence is currently insufficient to determine the role of this variant in disease. Therefore, it has been classified as a Variant of Uncertain Significance. Variants that disrupt the consensus splice site are a relatively common cause of aberrant splicing (PMID: 17576681, 9536098). Algorithms developed to predict the effect of sequence changes on RNA splicing suggest that this variant is not likely to affect RNA splicing. This variant has not been reported in the literature in individuals affected with STX1B-related conditions. This variant is not present in population databases (ExAC no frequency). This sequence change falls in intron 5 of the STX1B gene. It does not directly change the encoded amino acid sequence of the STX1B protein. It affects a nucleotide within the consensus splice site of the intron.

Literature cited by the submitters: PubMed 17576681; PubMed 9536098.

NM_052874.5(STX1B):c.355-3T>C

Gene: STX1B (syntaxin 1B; minus strand). Cytogenetic location: 16p11.2.
Variant type: single nucleotide variant.
Coding change: c.355-3T>C on transcript NM_052874.5 (MANE Select); 3 bases into the intron before coding-DNA position 355, T replaced by C.
Molecular consequence: intron variant.
Genome position (GRCh38, 1-based): chr16:30,997,062, A>G on the plus strand (T>C on the coding strand, the complement: STX1B is on the minus strand). VCF-style: chr16-30997062-A-G. GRCh37 (hg19) VCF-style: chr16-31008383-A-G.
Identifiers: ClinVar variation 1493416 (VCV001493416.6), dbSNP rs2143669499, ClinGen allele CA976333150.